The following is an entry in ClinVar:

NM_058216.3(RAD51C):c.224A>G (p.Tyr75Cys)

Gene: RAD51C (RAD51 paralog C; plus strand). Cytogenetic location: 17q22.
Variant type: single nucleotide variant.
Coding change: c.224A>G on transcript NM_058216.3 (MANE Select); coding-DNA position 224, A replaced by G.
Protein change: p.Tyr75Cys; replaces tyrosine 75 with cysteine.
Molecular consequence: missense variant. On other transcripts: non-coding transcript variant (2).
Genome position (GRCh38, 1-based): chr17:58,695,009, A>G. VCF-style: chr17-58695009-A-G. GRCh37 (hg19) VCF-style: chr17-56772370-A-G.
Other names: c.224A>G, p.Tyr75Cys (NM_002876.4); short protein forms Y75C.
Identifiers: ClinVar variation 1014052 (VCV001014052.6), dbSNP rs2047945655, ClinGen allele CA400340174.

ClinVar aggregate classification (germline): Uncertain significance (1 of 4 stars; one submission).

Conditions:
Fanconi anemia complementation group O. Also called: RAD51C-Related Fanconi Anemia. Identifiers: Orphanet 84, MedGen C3150653, MONDO:0013248, OMIM 613390.

Allele frequency attached by ClinVar (database versions not stated): gnomAD exomes below 0.00001.
gnomAD v4.1: 2 of 1,614,162 alleles (0.00012%); highest among the groups gnomAD compares: Non-Finnish European, 0.00017%; no homozygotes.

Submission:

Labcorp Genetics (formerly Invitae), Labcorp
Classification: Uncertain significance for Fanconi anemia complementation group O. Last evaluated: 2022-11-05. Review status: criteria provided, single submitter. Criteria: Invitae Variant Classification Sherloc (09022015). Collection method: clinical testing. Allele origin: germline.
Comment: In summary, the available evidence is currently insufficient to determine the role of this variant in disease. Therefore, it has been classified as a Variant of Uncertain Significance. Algorithms developed to predict the effect of missense changes on protein structure and function output the following: SIFT: "Tolerated"; PolyPhen-2: "Benign"; Align-GVGD: "Class C0". The cysteine amino acid residue is found in multiple mammalian species, which suggests that this missense change does not adversely affect protein function. ClinVar contains an entry for this variant (Variation ID: 1014052). This variant has not been reported in the literature in individuals affected with RAD51C-related conditions. This variant is not present in population databases (gnomAD no frequency). This sequence change replaces tyrosine, which is neutral and polar, with cysteine, which is neutral and slightly polar, at codon 75 of the RAD51C protein (p.Tyr75Cys).